The following is an entry in ClinVar:

ClinVar aggregate classification (germline): Uncertain significance. Review status: criteria provided, multiple submitters, no conflicts (2 of 4 stars). 2 submissions from 2 submitters: Uncertain significance (2). Last evaluated 2026-07-17.

Allele frequency attached by ClinVar (database versions not stated): gnomAD exomes below 0.00001.
gnomAD v4.1: 5 of 1,614,178 alleles (0.00031%); highest among the groups gnomAD compares: Non-Finnish European, 0.00042%; no homozygotes.

Submissions (2):

GeneDx
Classification: Uncertain significance. Last evaluated: 2026-07-17. Review status: criteria provided, single submitter. Criteria: GeneDx Variant Classification Process June 2021. Collection method: clinical testing. Allele origin: germline.
Comment: Not observed at significant frequency in large population cohorts (gnomAD); In silico analysis suggests that this missense variant does not alter protein structure/function; Has not been previously published as pathogenic or benign to our knowledge; This variant is associated with the following publications: (PMID: 21520338, 31554319, 9590290)

Labcorp Genetics (formerly Invitae), Labcorp
Classification: Uncertain significance. Last evaluated: 2023-01-15. Review status: criteria provided, single submitter. Criteria: Invitae Variant Classification Sherloc (09022015). Collection method: clinical testing. Allele origin: germline.
Comment: In summary, the available evidence is currently insufficient to determine the role of this variant in disease. Therefore, it has been classified as a Variant of Uncertain Significance. Advanced modeling of protein sequence and biophysical properties (such as structural, functional, and spatial information, amino acid conservation, physicochemical variation, residue mobility, and thermodynamic stability) performed at Invitae indicates that this missense variant is not expected to disrupt TECTA protein function. This variant has not been reported in the literature in individuals affected with TECTA-related conditions. This variant is not present in population databases (gnomAD no frequency). This sequence change replaces glutamine, which is neutral and polar, with arginine, which is basic and polar, at codon 1669 of the TECTA protein (p.Gln1669Arg).

NM_005422.4(TECTA):c.5006A>G (p.Gln1669Arg)

Genes: TBCEL-TECTA (TBCEL-TECTA readthrough; plus strand), TECTA (tectorin alpha; plus strand). Cytogenetic location: 11q23.3.
Variant type: single nucleotide variant.
Coding change: c.5006A>G on transcript NM_005422.4 (MANE Select); coding-DNA position 5006, A replaced by G.
Protein change: p.Gln1669Arg; replaces glutamine 1669 with arginine.
Molecular consequence: missense variant.
Genome position (GRCh38, 1-based): chr11:121,162,104, A>G. VCF-style: chr11-121162104-A-G. GRCh37 (hg19) VCF-style: chr11-121032813-A-G.
Other names: c.5006A>G (NM_005422.2); c.5948A>G, p.Gln1983Arg (NM_001378761.1); short protein forms Q1669R, Q1983R.
Identifiers: ClinVar variation 2828932 (VCV002828932.5), dbSNP rs1565534282, ClinGen allele CA383031341.
Genomic context (GRCh38, chr11:121,162,104, plus strand): 5'-TGGCTGTTTTTGCTTCACTCAGTCTGACCAGACCTCTTGCCCCCAGCTGCAACGAGCTGC[A>G]GTTCTCACAGTATGCAGCCATGTGTGACAATGTGCACATCCAGAAGATGCAGGGTGATGG-3'
Protein context (NP_005413.2, residues 1659-1679): RPLAPSCNEL[Gln1669Arg]FSQYAAMCDN